The following is an entry in ClinVar:

ClinVar aggregate classification (germline): Pathogenic. Review status: criteria provided, multiple submitters, no conflicts (2 of 4 stars). 8 submissions from 8 submitters: Pathogenic (7). 1 of the submissions does not count toward it. Last evaluated 2022-09-27.

Conditions:
Ataxia, spastic, childhood-onset, autosomal recessive, with optic atrophy and impaired intellectual development. Also called: Ataxia, spastic, childhood-onset, autosomal recessive, with optic atrophy and intellectual disability; ATAXIA, SPASTIC, CHILDHOOD-ONSET, AUTOSOMAL RECESSIVE, WITH OPTIC ATROPHY AND MENTAL RETARDATION. Identifiers: MedGen C3151619, MONDO:0010040, OMIM 270500.
Charlevoix-Saguenay spastic ataxia (SACS). Also called: Spastic ataxia of Charlevoix-Saguenay; AUTOSOMAL RECESSIVE SPASTIC ATAXIA OF CHARLEVOIX-SAGUENAY; SPASTIC ATAXIA 6, AUTOSOMAL RECESSIVE. Identifiers: Orphanet 98, MedGen C1849140, MONDO:0010041, OMIM 270550.
Spastic paraplegia. Identifiers: MedGen C0037772, HP:0001258.

Allele frequency attached by ClinVar (database versions not stated): gnomAD 0.00001; gnomAD exomes below 0.00001; TOPMed 0.00001.
gnomAD v4.1: 5 of 1,613,398 alleles (0.00031%); highest among the groups gnomAD compares: Admixed American, 0.0017%; no homozygotes.

Submissions (8):

Labcorp Genetics (formerly Invitae), Labcorp
Classification: Pathogenic for Spastic paraplegia. Last evaluated: 2022-09-27. Review status: criteria provided, single submitter. Criteria: Invitae Variant Classification Sherloc (09022015). Collection method: clinical testing. Allele origin: germline.
Comment: For these reasons, this variant has been classified as Pathogenic. This variant disrupts a region of the SACS protein in which other variant(s) (p.Asn4549Asp) have been determined to be pathogenic (PMID: 15156359, 21507954). This suggests that this is a clinically significant region of the protein, and that variants that disrupt it are likely to be disease-causing. ClinVar contains an entry for this variant (Variation ID: 280809). This premature translational stop signal has been observed in individual(s) with clinical features of hereditary motor and sensory neuropathy (PMID: 21507954, 30460542, 31692161). This variant is not present in population databases (gnomAD no frequency). This sequence change creates a premature translational stop signal (p.Leu3102*) in the SACS gene. While this is not anticipated to result in nonsense mediated decay, it is expected to disrupt the last 1478 amino acid(s) of the SACS protein.

Baylor Genetics
Classification: Pathogenic for Charlevoix-Saguenay spastic ataxia. Last evaluated: 2022-02-16. Review status: criteria provided, single submitter. Criteria: ACMG Guidelines, 2015. Collection method: clinical testing. Allele origin: unknown.

PROSPAX: an integrated multimodal progression  chart in spastic ataxias, Center for Neurology; Hertie-Institute for Clinical Brain Research
Classification: Pathogenic for Charlevoix-Saguenay spastic ataxia. Last evaluated: 2022-01-01. Review status: criteria provided, single submitter. Criteria: ACMG Guidelines, 2015. Collection method: research. Allele origin: germline. Affected: yes. Observed: 2 variant alleles, 2 compound heterozygotes.

Genome-Nilou Lab
Classification: Pathogenic for Charlevoix-Saguenay spastic ataxia. Last evaluated: 2021-09-05. Review status: criteria provided, single submitter. Criteria: ACMG Guidelines, 2015. Collection method: clinical testing. Allele origin: germline. Affected: no.

Fulgent Genetics
Classification: Pathogenic for Charlevoix-Saguenay spastic ataxia. Last evaluated: 2018-10-31. Review status: criteria provided, single submitter. Criteria: ACMG Guidelines, 2015. Collection method: clinical testing. Allele origin: unknown.

GeneDx
Classification: Pathogenic. Last evaluated: 2016-08-31. Review status: criteria provided, single submitter. Criteria: GeneDx Variant Classification (06012015). Collection method: clinical testing. Allele origin: germline. Affected: yes.
Comment: The L3102X pathogenic variant in the SACS gene has not been reported previously as a pathogenic variant nor as abenign variant, to our knowledge. This variant is predicted to cause loss of normal protein function through proteintruncation. The L3102X variant was not observed in approximately 6500 individuals of European and AfricanAmerican ancestry in the NHLBI Exome Sequencing Project, indicating it is not a common benign variant in thesepopulations. We interpret L3102X as a pathogenic variant.

Kasturba Medical College, Manipal, Kasturba Medical College, Manipal, Manipal Academy of Higher Education, Manipal, India
Classification: Pathogenic for Ataxia, spastic, childhood-onset, autosomal recessive, with optic atrophy and impaired intellectual development. Review status: criteria provided, single submitter. Criteria: ACMG Guidelines, 2015. Collection method: clinical testing. Allele origin: germline. Inheritance: Autosomal recessive inheritance. Affected: yes. Observed: 1 variant allele, 1 homozygote.

Counsyl
Classification: Likely pathogenic for Charlevoix-Saguenay spastic ataxia. Last evaluated: 2015-06-16. Review status: no assertion criteria provided. Collection method: clinical testing. Allele origin: unknown. Not counted in ClinVar's aggregate classification.

Literature cited by the submitters: PubMed 15156359 (cited by Labcorp Genetics (formerly Invitae), Labcorp); PubMed 21507954 (cited by Labcorp Genetics (formerly Invitae), Labcorp); PubMed 30460542 (cited by Labcorp Genetics (formerly Invitae), Labcorp and Kasturba Medical College, Manipal, Kasturba Medical College, Manipal, Manipal Academy of Higher Education, Manipal, India); PubMed 31692161 (cited by Labcorp Genetics (formerly Invitae), Labcorp).

NM_014363.6(SACS):c.9305T>A (p.Leu3102Ter)

Gene: SACS (sacsin molecular chaperone; minus strand). Cytogenetic location: 13q12.12.
Variant type: single nucleotide variant.
Coding change: c.9305T>A on transcript NM_014363.6 (MANE Select); coding-DNA position 9305, T replaced by A.
Protein change: p.Leu3102Ter; replaces leucine 3102 with a stop codon.
Molecular consequence: nonsense.
Genome position (GRCh38, 1-based): chr13:23,334,571, A>T on the plus strand (T>A on the coding strand, the complement: SACS is on the minus strand). VCF-style: chr13-23334571-A-T. GRCh37 (hg19) VCF-style: chr13-23908710-A-T.
Other names: c.8864T>A, p.Leu2955Ter (NM_001278055.2); short protein forms L3102*, L2955*.
Identifiers: ClinVar variation 280809 (VCV000280809.20), dbSNP rs886041949, ClinGen allele CA10603290.